The following is an entry in ClinVar:

ClinVar aggregate classification (germline): Likely pathogenic (1 of 4 stars; one submission).

Submission:

GeneDx
Classification: Likely pathogenic. Last evaluated: 2026-01-28. Review status: criteria provided, single submitter. Criteria: GeneDx Variant Classification Process June 2021. Collection method: clinical testing. Allele origin: germline.
Comment: Not observed at significant frequency in large population cohorts (gnomAD); In silico analysis supports that this missense variant has a deleterious effect on protein structure/function; In silico analysis supports a deleterious effect on splicing; This variant is associated with the following publications: (PMID: 33131045)

NM_015215.4(CAMTA1):c.301A>G (p.Arg101Gly)

Gene: CAMTA1 (calmodulin binding transcription activator 1; plus strand). Cytogenetic location: 1p36.31.
Variant type: single nucleotide variant.
Coding change: c.301A>G on transcript NM_015215.4 (MANE Select); coding-DNA position 301, A replaced by G.
Protein change: p.Arg101Gly; replaces arginine 101 with glycine.
Molecular consequence: missense variant.
Genome position (GRCh38, 1-based): chr1:7,091,370, A>G. VCF-style: chr1-7091370-A-G. GRCh37 (hg19) VCF-style: chr1-7151430-A-G.
Other names: c.211A>G, p.Arg71Gly (NM_001349608.2, NM_001349612.2); c.301A>G, p.Arg101Gly (NM_001349609.2, NM_001349610.2, NM_001410737.1 and 1 more transcripts); short protein forms R101G, R71G.
Identifiers: ClinVar variation 4888077 (VCV004888077.1).